The following is an entry in ClinVar:

ClinVar aggregate classification (germline): Pathogenic/Likely pathogenic. Review status: criteria provided, multiple submitters, no conflicts (2 of 4 stars). 3 submissions from 3 submitters: Pathogenic (2); Likely pathogenic (1). Last evaluated 2025-12-13.

Conditions:
Cystic fibrosis (CF). Also called: MUCOVISCIDOSIS. Identifiers: Orphanet 586, MedGen C0010674, MONDO:0009061, OMIM 219700. Disease mechanism: loss of function.

Submissions (3):

Labcorp Genetics (formerly Invitae), Labcorp
Classification: Pathogenic for Cystic fibrosis. Last evaluated: 2025-12-13. Review status: criteria provided, single submitter. Criteria: Invitae Variant Classification Sherloc (09022015). Collection method: clinical testing. Allele origin: germline.
Comment: This sequence change affects a donor splice site in intron 15 of the CFTR gene. It is expected to disrupt RNA splicing. Variants that disrupt the donor or acceptor splice site typically lead to a loss of protein function (PMID: 16199547), and loss-of-function variants in CFTR are known to be pathogenic (PMID: 1695717, 7691345, 9725922). This variant is not present in population databases (gnomAD no frequency). Disruption of this splice site has been observed in individuals with cystic fibrosis (PMID: 35791184, 39529847). ClinVar contains an entry for this variant (Variation ID: 502041). Algorithms developed to predict the effect of sequence changes on RNA splicing suggest that this variant may disrupt the consensus splice site. For these reasons, this variant has been classified as Pathogenic.

Women's Health and Genetics/Laboratory Corporation of America, LabCorp
Classification: Likely pathogenic for Cystic fibrosis. Last evaluated: 2025-03-24. Review status: criteria provided, single submitter. Criteria: LabCorp Variant Classification Summary - May 2015. Collection method: clinical testing. Allele origin: germline.
Comment: Variant summary: CFTR c.2619+1G>A is located in a canonical splice-site and is predicted to affect mRNA splicing resulting in a significantly altered protein due to either exon skipping, shortening, or inclusion of intronic material. Variants that disrupt the consensus splice site are a relatively common cause of aberrant splicing and loss of CFTR function. Several computational tools predict a significant impact on normal splicing: Three predict the variant abolishes a 5' splicing donor site. However, these predictions have yet to be confirmed by functional studies. The variant was absent in 251258 control chromosomes. c.2619+1G>A has been reported in the literature in individuals affected with Cystic Fibrosis, including one homozygote (example: Behar_2017, Lakshmipathy_2022). These data indicate that the variant may be associated with disease. To our knowledge, no experimental evidence demonstrating an impact on protein function has been reported. The following publications have been ascertained in the context of this evaluation (PMID: 28546993, 39529847, 35791184). ClinVar contains an entry for this variant (Variation ID: 502041). Based on the evidence outlined above, the variant was classified as likely pathogenic.

Eurofins Ntd Llc (ga)
Classification: Pathogenic. Last evaluated: 2017-05-18. Review status: criteria provided, single submitter. Criteria: EGL Classification Definitions 2015. Collection method: clinical testing. Allele origin: germline. Observed: 1 variant allele, 1 heterozygote.

Literature cited by the submitters: PubMed 16199547 (cited by Labcorp Genetics (formerly Invitae), Labcorp); PubMed 1695717 (cited by Labcorp Genetics (formerly Invitae), Labcorp); PubMed 7691345 (cited by Labcorp Genetics (formerly Invitae), Labcorp); PubMed 9725922 (cited by Labcorp Genetics (formerly Invitae), Labcorp); PubMed 35791184 (cited by Labcorp Genetics (formerly Invitae), Labcorp and Women's Health and Genetics/Laboratory Corporation of America, LabCorp); PubMed 39529847 (cited by Labcorp Genetics (formerly Invitae), Labcorp and Women's Health and Genetics/Laboratory Corporation of America, LabCorp); PubMed 28546993 (cited by Women's Health and Genetics/Laboratory Corporation of America, LabCorp).

NM_000492.4(CFTR):c.2619+1G>A

Gene: CFTR (CF transmembrane conductance regulator; plus strand). Cytogenetic location: 7q31.2.
Variant type: single nucleotide variant.
Coding change: c.2619+1G>A on transcript NM_000492.4 (MANE Select); the canonical splice donor site of the intron after coding-DNA position 2619, G replaced by A.
Molecular consequence: splice donor variant.
Genome position (GRCh38, 1-based): chr7:117,595,059, G>A. VCF-style: chr7-117595059-G-A. GRCh37 (hg19) VCF-style: chr7-117235113-G-A.
Identifiers: ClinVar variation 502041 (VCV000502041.9), dbSNP rs1554389836, ClinGen allele CA368984120.